The following is an entry in ClinVar:

ClinVar aggregate classification (germline): Uncertain significance (1 of 4 stars; one submission).

Submission:

Labcorp Genetics (formerly Invitae), Labcorp
Classification: Uncertain significance. Last evaluated: 2024-10-24. Review status: criteria provided, single submitter. Criteria: Invitae Variant Classification Sherloc (09022015). Collection method: clinical testing. Allele origin: germline.
Comment: This sequence change replaces serine, which is neutral and polar, with glycine, which is neutral and non-polar, at codon 478 of the KIAA0753 protein (p.Ser478Gly). This variant is not present in population databases (gnomAD no frequency). This variant has not been reported in the literature in individuals affected with KIAA0753-related conditions. ClinVar contains an entry for this variant (Variation ID: 2091355). An algorithm developed to predict the effect of missense changes on protein structure and function outputs the following: PolyPhen-2: "Benign". The glycine amino acid residue is found in multiple mammalian species, which suggests that this missense change does not adversely affect protein function. In summary, the available evidence is currently insufficient to determine the role of this variant in disease. Therefore, it has been classified as a Variant of Uncertain Significance.

NM_014804.3(KIAA0753):c.1432A>G (p.Ser478Gly)

Gene: KIAA0753 (KIAA0753; minus strand). Cytogenetic location: 17p13.1.
Variant type: single nucleotide variant.
Coding change: c.1432A>G on transcript NM_014804.3 (MANE Select); coding-DNA position 1432, A replaced by G.
Protein change: p.Ser478Gly; replaces serine 478 with glycine.
Molecular consequence: missense variant.
Genome position (GRCh38, 1-based): chr17:6,612,032, T>C on the plus strand (A>G on the coding strand, the complement: KIAA0753 is on the minus strand). VCF-style: chr17-6612032-T-C. GRCh37 (hg19) VCF-style: chr17-6515352-T-C.
Other names: c.535A>G, p.Ser179Gly (NM_001351225.2); short protein forms S179G, S478G.
Identifiers: ClinVar variation 2091355 (VCV002091355.4), dbSNP rs2544426020, ClinGen allele CA397411119.